The following is an entry in ClinVar:

ClinVar aggregate classification (germline): Likely benign. Review status: criteria provided, multiple submitters, no conflicts (2 of 4 stars). 3 submissions from 3 submitters: Likely benign (2). 1 of the submissions does not count toward it. Last evaluated 2025-06-09.

Conditions:
ADAR-related disorder. Also called: ADAR-related condition; ADAR-related disorders.
Symmetrical dyschromatosis of extremities (DSH). Also called: RETICULATE ACROPIGMENTATION OF DOHI; SYMMETRIC DYSCHROMATOSIS OF THE EXTREMITIES; DYSCHROMATOSIS SYMMETRICA HEREDITARIA 1; Dyschromatosis symmetrica hereditaria. Identifiers: Orphanet 41, MedGen C0406775, MONDO:0007483, OMIM 127400.
Aicardi-Goutieres syndrome 6 (AGS6). Identifiers: Orphanet 51, MedGen C3539013, MONDO:0014007, OMIM 615010.

Allele frequency attached by ClinVar (database versions not stated): gnomAD exomes below 0.00001 and 0.00001; TOPMed below 0.00001; ExAC 0.00001; gnomAD 0.00001.
gnomAD v4.1: 11 of 1,613,906 alleles (0.00068%); highest among the groups gnomAD compares: South Asian, 0.0066%; no homozygotes.

Submissions (3):

Labcorp Genetics (formerly Invitae), Labcorp
Classification: Likely benign for Aicardi-Goutieres syndrome 6; Symmetrical dyschromatosis of extremities. Last evaluated: 2025-06-09. Review status: criteria provided, single submitter. Criteria: Invitae Variant Classification Sherloc (09022015). Collection method: clinical testing. Allele origin: germline.

Blueprint Genetics
Classification: Likely benign. Last evaluated: 2024-08-09. Review status: criteria provided, single submitter. Criteria: ACMG Guidelines, 2015. Collection method: clinical testing. Allele origin: germline.

PreventionGenetics, part of Exact Sciences
Classification: Likely benign for ADAR-related condition. Last evaluated: 2019-04-05. Review status: no assertion criteria provided. Collection method: clinical testing. Allele origin: germline. Not counted in ClinVar's aggregate classification.
Comment: This variant is classified as likely benign based on ACMG/AMP sequence variant interpretation guidelines (Richards et al. 2015 PMID: 25741868, with internal and published modifications).

NM_001111.5(ADAR):c.3316-4C>T

Gene: ADAR (adenosine deaminase RNA specific; minus strand). Cytogenetic location: 1q21.3.
Variant type: single nucleotide variant.
Coding change: c.3316-4C>T on transcript NM_001111.5 (MANE Select); 4 bases into the intron before coding-DNA position 3316, C replaced by T.
Molecular consequence: intron variant.
Genome position (GRCh38, 1-based): chr1:154,585,348, G>A on the plus strand (C>T on the coding strand, the complement: ADAR is on the minus strand). VCF-style: chr1-154585348-G-A. GRCh37 (hg19) VCF-style: chr1-154557824-G-A.
Other names: c.2431-4C>T (NM_001365046.1, NM_001025107.3, NM_001365048.1 and 2 more transcripts); c.3343-4C>T (NM_001365045.1); c.2353-4C>T (NM_001365049.1); c.3181-4C>T (NM_015841.4); c.3238-4C>T (NM_015840.4).
Identifiers: ClinVar variation 772920 (VCV000772920.13), dbSNP rs765304172, ClinGen allele CA1130971.